The following is an entry in ClinVar:

ClinVar aggregate classification (germline): Uncertain significance (1 of 4 stars; one submission).

Conditions:
Hereditary cancer-predisposing syndrome. Also called: Hereditary Cancer Syndrome; Hereditary neoplastic syndrome; Neoplastic Syndromes, Hereditary; Tumor predisposition. Identifiers: Orphanet 140162, MedGen C0027672, MeSH D009386, MONDO:0015356.

Submission:

Ambry Genetics
Classification: Uncertain significance for Hereditary cancer-predisposing syndrome. Last evaluated: 2020-11-11. Review status: criteria provided, single submitter. Criteria: Ambry Variant Classification Scheme 2023. Collection method: clinical testing. Allele origin: germline.
Comment: The p.E496D variant (also known as c.1488G>C), located in coding exon 10 of the MSH3 gene, results from a G to C substitution at nucleotide position 1488. The glutamic acid at codon 496 is replaced by aspartic acid, an amino acid with highly similar properties. This amino acid position is not well conserved in available vertebrate species, and aspartic acid is the reference amino acid in other vertebrate species. In addition, this alteration is predicted to be tolerated by in silico analysis. Since supporting evidence is limited at this time, the clinical significance of this alteration remains unclear.

NM_002439.5(MSH3):c.1488G>C (p.Glu496Asp)

Gene: MSH3 (mutS homolog 3; plus strand). Cytogenetic location: 5q14.1.
Variant type: single nucleotide variant.
Coding change: c.1488G>C on transcript NM_002439.5 (MANE Select); coding-DNA position 1488, G replaced by C.
Protein change: p.Glu496Asp; replaces glutamic acid 496 with aspartic acid.
Molecular consequence: missense variant.
Genome position (GRCh38, 1-based): chr5:80,728,885, G>C. VCF-style: chr5-80728885-G-C. GRCh37 (hg19) VCF-style: chr5-80024704-G-C.
Other names: short protein forms E496D.
Identifiers: ClinVar variation 1773719 (VCV001773719.2), dbSNP rs2112857855, ClinGen allele CA360274211.